The following is an entry in ClinVar:

NM_006227.4(PLTP):c.1048G>A (p.Val350Ile)

Gene: PLTP (phospholipid transfer protein; minus strand). Cytogenetic location: 20q13.12.
Variant type: single nucleotide variant.
Coding change: c.1048G>A on transcript NM_006227.4 (MANE Select); coding-DNA position 1048, G replaced by A.
Protein change: p.Val350Ile; replaces valine 350 with isoleucine.
Molecular consequence: missense variant.
Genome position (GRCh38, 1-based): chr20:45,902,499, C>T on the plus strand (G>A on the coding strand, the complement: PLTP is on the minus strand). VCF-style: chr20-45902499-C-T. GRCh37 (hg19) VCF-style: chr20-44531138-C-T.
Other names: c.763G>A, p.Val255Ile (NM_001242920.2); c.784G>A, p.Val262Ile (NM_001242921.1); c.892G>A, p.Val298Ile (NM_182676.3); short protein forms V298I, V350I, V262I, V255I.
Identifiers: ClinVar variation 3664787 (VCV003664787.2).

ClinVar aggregate classification (germline): Uncertain significance (1 of 4 stars; one submission).

gnomAD v4.1: 131 of 1,614,078 alleles (0.0081%); highest among the groups gnomAD compares: Admixed American, 0.012%; no homozygotes.

Submission:

Labcorp Genetics (formerly Invitae), Labcorp
Classification: Uncertain significance. Last evaluated: 2024-05-01. Review status: criteria provided, single submitter. Criteria: Invitae Variant Classification Sherloc (09022015). Collection method: clinical testing. Allele origin: germline.
Comment: This sequence change replaces valine, which is neutral and non-polar, with isoleucine, which is neutral and non-polar, at codon 350 of the PLTP protein (p.Val350Ile). The frequency data for this variant in the population databases is considered unreliable, as metrics indicate poor data quality at this position in the gnomAD database. This variant has not been reported in the literature in individuals affected with PLTP-related conditions. An algorithm developed to predict the effect of missense changes on protein structure and function (PolyPhen-2) suggests that this variant is likely to be tolerated. In summary, the available evidence is currently insufficient to determine the role of this variant in disease. Therefore, it has been classified as a Variant of Uncertain Significance.